The following is an entry in ClinVar:

NM_001039591.3(USP9X):c.4829A>G (p.Asn1610Ser)

Gene: USP9X (ubiquitin specific peptidase 9 X-linked; plus strand). Cytogenetic location: Xp11.4.
Variant type: single nucleotide variant.
Coding change: c.4829A>G on transcript NM_001039591.3 (MANE Select); coding-DNA position 4829, A replaced by G.
Protein change: p.Asn1610Ser; replaces asparagine 1610 with serine.
Molecular consequence: missense variant.
Genome position (GRCh38, 1-based): chrX:41,205,307, A>G. VCF-style: chrX-41205307-A-G. GRCh37 (hg19) VCF-style: chrX-41064560-A-G.
Other names: c.4829A>G, p.Asn1610Ser (NM_001039590.3); short protein forms N1610S.
Identifiers: ClinVar variation 1028976 (VCV001028976.1), dbSNP rs1569193411, ClinGen allele CA412780859.

ClinVar aggregate classification (germline): Uncertain significance (1 of 4 stars; one submission).

Conditions:
Intellectual developmental disorder, X-linked 99. Also called: Intellectual disability, X-linked 99. Identifiers: Orphanet 777, MedGen C3806746, MONDO:0010487, OMIM 300919.

Allele frequency attached by ClinVar (database versions not stated): gnomAD exomes below 0.00001.
gnomAD v4.1: 5 of 1,179,131 alleles (0.00042%); highest among the groups gnomAD compares: Non-Finnish European, 0.00023%; no homozygotes.

Submission:

Baylor Genetics
Classification: Uncertain significance for Intellectual developmental disorder, X-linked 99. Last evaluated: 2020-01-15. Review status: criteria provided, single submitter. Criteria: ACMG Guidelines, 2015. Collection method: clinical testing. Allele origin: unknown. Affected: yes.
Comment: This variant was determined to be of uncertain significance according to ACMG Guidelines, 2015 [PMID:25741868].